The following is an entry in ClinVar:

ClinVar aggregate classification (germline): Uncertain significance. Review status: criteria provided, multiple submitters, no conflicts (2 of 4 stars). 4 submissions from 4 submitters: Uncertain significance (4). Last evaluated 2025-09-14.

Conditions:
SHORT syndrome. Also called: PIK3R1-Related SHORT Syndrome; LIPODYSTROPHY, PARTIAL, WITH RIEGER ANOMALY AND SHORT STATURE; SHORT STATURE, HYPEREXTENSIBILITY, HERNIA, OCULAR DEPRESSION, RIEGER ANOMALY, AND TEETHING DELAY. Identifiers: Orphanet 3163, MedGen C0878684, MONDO:0010026, OMIM 269880.
Agammaglobulinemia 7, autosomal recessive (AGM7). Also called: AGAMMAGLOBULINEMIA, AUTOSOMAL RECESSIVE, DUE TO PIK3R1 DEFECT. Identifiers: MedGen C3554689, MONDO:0014083, OMIM 615214.
Immunodeficiency 36 with lymphoproliferation. Also called: ACTIVATED PI3K-DELTA SYNDROME 2; Immunodeficiency 36; Activated PI3K Delta Syndrome Type 2 (APDS2). Identifiers: Orphanet 397596, Orphanet 693681, MedGen C4014934, MONDO:0014453, OMIM 616005.

Allele frequency attached by ClinVar (database versions not stated): gnomAD 0.00003; TOPMed 0.00004; gnomAD exomes 0.00005 and 0.00007; ExAC 0.00006; ESP Exome Variant Server 0.00015.
gnomAD v4.1: 81 of 1,613,394 alleles (0.005%); highest among the groups gnomAD compares: Non-Finnish European, 0.0064%; no homozygotes.

Submissions (4):

Labcorp Genetics (formerly Invitae), Labcorp
Classification: Uncertain significance for SHORT syndrome; Immunodeficiency 36 with lymphoproliferation; Agammaglobulinemia 7, autosomal recessive. Last evaluated: 2025-09-14. Review status: criteria provided, single submitter. Criteria: Invitae Variant Classification Sherloc (09022015). Collection method: clinical testing. Allele origin: germline.
Comment: This sequence change replaces glycine, which is neutral and non-polar, with serine, which is neutral and polar, at codon 321 of the PIK3R1 protein (p.Gly321Ser). This variant is present in population databases (rs142439210, gnomAD 0.01%). This variant has not been reported in the literature in individuals affected with PIK3R1-related conditions. ClinVar contains an entry for this variant (Variation ID: 463170). Invitae Evidence Modeling of protein sequence and biophysical properties (such as structural, functional, and spatial information, amino acid conservation, physicochemical variation, residue mobility, and thermodynamic stability) indicates that this missense variant is not expected to disrupt PIK3R1 protein function with a negative predictive value of 80%. In summary, the available evidence is currently insufficient to determine the role of this variant in disease. Therefore, it has been classified as a Variant of Uncertain Significance.

Mayo Clinic Laboratories, Mayo Clinic
Classification: Uncertain significance. Last evaluated: 2024-06-03. Review status: criteria provided, single submitter. Criteria: ACMG Guidelines, 2015. Collection method: clinical testing. Allele origin: germline. Observed: 1 variant allele.
Comment: BP4

CeGaT Center for Human Genetics Tuebingen
Classification: Uncertain significance. Last evaluated: 2022-05-01. Review status: criteria provided, single submitter. Criteria: CeGaT Center For Human Genetics Tuebingen Variant Classification Criteria Version 2. Collection method: clinical testing. Allele origin: germline. Affected: yes. Observed: 1 variant allele.
Comment: PIK3R1: PS4:Supporting, BP4

Fulgent Genetics
Classification: Uncertain significance for SHORT syndrome; Agammaglobulinemia 7, autosomal recessive; Immunodeficiency 36 with lymphoproliferation. Last evaluated: 2018-10-31. Review status: criteria provided, single submitter. Criteria: ACMG Guidelines, 2015. Collection method: clinical testing. Allele origin: unknown.

NM_181523.3(PIK3R1):c.961G>A (p.Gly321Ser)

Gene: PIK3R1 (phosphoinositide-3-kinase regulatory subunit 1; plus strand). Cytogenetic location: 5q13.1.
Variant type: single nucleotide variant.
Coding change: c.961G>A on transcript NM_181523.3 (MANE Select); coding-DNA position 961, G replaced by A.
Protein change: p.Gly321Ser; replaces glycine 321 with serine.
Molecular consequence: missense variant.
Genome position (GRCh38, 1-based): chr5:68,292,303, G>A. VCF-style: chr5-68292303-G-A. GRCh37 (hg19) VCF-style: chr5-67588131-G-A.
Other names: p.Gly321Ser; c.151G>A, p.Gly51Ser (NM_181504.4); c.61G>A, p.Gly21Ser (NM_181524.2); short protein forms G321S, G21S, G51S.
Identifiers: ClinVar variation 463170 (VCV000463170.37), dbSNP rs142439210, ClinGen allele CA3290260.